The following is an entry in ClinVar:

NM_014314.4(RIGI):c.2111T>C (p.Ile704Thr)

Gene: RIGI (RNA sensor RIG-I; minus strand). Cytogenetic location: 9p21.1.
Variant type: single nucleotide variant.
Coding change: c.2111T>C on transcript NM_014314.4 (MANE Select); coding-DNA position 2111, T replaced by C.
Protein change: p.Ile704Thr; replaces isoleucine 704 with threonine.
Molecular consequence: missense variant. On other transcripts: intron variant (1).
Genome position (GRCh38, 1-based): chr9:32,467,836, A>G on the plus strand (T>C on the coding strand, the complement: RIGI is on the minus strand). VCF-style: chr9-32467836-A-G. GRCh37 (hg19) VCF-style: chr9-32467834-A-G.
Other names: c.2105T>C, p.Ile702Thr (NM_001385907.1); c.1670T>C, p.Ile557Thr (NM_001385910.1); c.1502T>C, p.Ile501Thr (NM_001385912.1); c.2096T>C, p.Ile699Thr (NM_001385913.1); c.1667T>C, p.Ile556Thr (NM_001385914.1); c.2015-1395T>C (NM_001385909.1); short protein forms I699T, I704T, I702T, I501T, I556T, I557T.
Identifiers: ClinVar variation 4692022 (VCV004692022.1).

ClinVar aggregate classification (germline): Uncertain significance (1 of 4 stars; one submission).

gnomAD v4.1: 15 of 1,613,846 alleles (0.00093%); highest among the groups gnomAD compares: African/African-American, 0.013%; no homozygotes.

Submission:

Labcorp Genetics (formerly Invitae), Labcorp
Classification: Uncertain significance. Last evaluated: 2025-09-09. Review status: criteria provided, single submitter. Criteria: Invitae Variant Classification Sherloc (09022015). Collection method: clinical testing. Allele origin: germline.
Comment: This sequence change replaces isoleucine, which is neutral and non-polar, with threonine, which is neutral and polar, at codon 704 of the DDX58 protein (p.Ile704Thr). This variant is present in population databases (rs199834328, gnomAD 0.02%). This variant has not been reported in the literature in individuals affected with DDX58-related conditions. Invitae Evidence Modeling of protein sequence and biophysical properties (such as structural, functional, and spatial information, amino acid conservation, physicochemical variation, residue mobility, and thermodynamic stability) indicates that this missense variant is expected to disrupt DDX58 protein function with a positive predictive value of 80%. In summary, the available evidence is currently insufficient to determine the role of this variant in disease. Therefore, it has been classified as a Variant of Uncertain Significance.